The following is an entry in ClinVar:

NM_003242.6(TGFBR2):c.505G>C (p.Gly169Arg)

Gene: TGFBR2 (transforming growth factor beta receptor 2; plus strand). Cytogenetic location: 3p24.1.
Variant type: single nucleotide variant.
Coding change: c.505G>C on transcript NM_003242.6 (MANE Select); coding-DNA position 505, G replaced by C.
Protein change: p.Gly169Arg; replaces glycine 169 with arginine.
Molecular consequence: missense variant.
Genome position (GRCh38, 1-based): chr3:30,671,688, G>C. VCF-style: chr3-30671688-G-C. GRCh37 (hg19) VCF-style: chr3-30713180-G-C.
Other names: c.580G>C, p.Gly194Arg (NM_001024847.3); c.688G>C, p.Gly230Arg (NM_001407126.1); c.613G>C, p.Gly205Arg (NM_001407127.1); c.532G>C, p.Gly178Arg (NM_001407128.1); c.508G>C, p.Gly170Arg (NM_001407129.1); c.505G>C, p.Gly169Arg (NM_001407130.1); c.400G>C, p.Gly134Arg (NM_001407132.1, NM_001407133.1, NM_001407134.1 and 2 more transcripts); c.220G>C, p.Gly74Arg (NM_001407137.1); and 1 more; short protein forms G169R, G194R, G178R, G49R, G134R, G205R, G230R, G170R.
Identifiers: ClinVar variation 923453 (VCV000923453.11), dbSNP rs759362407, ClinGen allele CA049134.
Genomic context (GRCh38, chr3:30,671,688, plus strand): 5'-TCCCCATCAGAATATAACACCAGCAATCCTGACTTGTTGCTAGTCATATTTCAAGTGACA[G>C]GCATCAGCCTCCTGCCACCACTGGGAGTTGCCATATCTGTCATCATCATCTTCTACTGCT-3'
Protein context (NP_003233.4, residues 159-179): DLLLVIFQVT[Gly169Arg]ISLLPPLGVA

ClinVar aggregate classification (germline): Uncertain significance. Review status: criteria provided, multiple submitters, no conflicts (2 of 4 stars). 5 submissions from 5 submitters: Uncertain significance (5). Last evaluated 2026-01-04.

Conditions:
Loeys-Dietz syndrome 2 (LDS2). Also called: TGFBR2-Related Loeys-Dietz Syndrome; AORTIC ANEURYSM, FAMILIAL THORACIC 3; MARFAN SYNDROME, TYPE II; Marfan Syndrome type 2; Marfan like connective tissue disorder; MFS 2. Identifiers: Orphanet 284973, Orphanet 558, MedGen C2674574, MONDO:0012427, OMIM 610168.
Familial thoracic aortic aneurysm and aortic dissection (TAAD). Also called: Thoracic aortic aneurysms and dissections. Identifiers: Orphanet 91387, MedGen C4707243, MONDO:0019625.
Malignant tumor of esophagus. Also called: Esophageal cancer; Esophageal cancer, somatic. Identifiers: Orphanet 99977, MedGen C0546837, MONDO:0007576, OMIM 133239.
Colorectal cancer, hereditary nonpolyposis, type 6. Also called: Colon cancer, hereditary nonpolyposis, type 6; Colon cancer, hereditary nonpolyposis, type 6, somatic. Identifiers: Orphanet 144, MedGen C1860896, MONDO:0013695, OMIM 614331.

Allele frequency attached by ClinVar (database versions not stated): gnomAD exomes below 0.00001; TOPMed below 0.00001; ExAC 0.00001; gnomAD 0.00001.
gnomAD v4.1: 3 of 1,614,076 alleles (0.00019%); highest among the groups gnomAD compares: Non-Finnish European, 0.00025%; no homozygotes.

Submissions (5):

Labcorp Genetics (formerly Invitae), Labcorp
Classification: Uncertain significance for Familial thoracic aortic aneurysm and aortic dissection. Last evaluated: 2026-01-04. Review status: criteria provided, single submitter. Criteria: Invitae Variant Classification Sherloc (09022015). Collection method: clinical testing. Allele origin: germline.
Comment: This sequence change replaces glycine, which is neutral and non-polar, with arginine, which is basic and polar, at codon 169 of the TGFBR2 protein (p.Gly169Arg). This variant is present in population databases (rs759362407, gnomAD 0.0009%). This variant has not been reported in the literature in individuals affected with TGFBR2-related conditions. ClinVar contains an entry for this variant (Variation ID: 923453). Invitae Evidence Modeling of protein sequence and biophysical properties (such as structural, functional, and spatial information, amino acid conservation, physicochemical variation, residue mobility, and thermodynamic stability) indicates that this missense variant is not expected to disrupt TGFBR2 protein function with a negative predictive value of 95%. In summary, the available evidence is currently insufficient to determine the role of this variant in disease. Therefore, it has been classified as a Variant of Uncertain Significance.

All of Us Research Program, National Institutes of Health
Classification: Uncertain significance for Loeys-Dietz syndrome 2. Last evaluated: 2024-07-20. Review status: criteria provided, single submitter. Criteria: ACMG Guidelines, 2015. Collection method: clinical testing. Allele origin: germline. Inheritance: Autosomal dominant inheritance. Observed: 1 variant allele, 1 heterozygote.
Comment: This missense variant replaces glycine with arginine at codon 194 of the TGFBR2 protein. Computational prediction suggests that this variant may not impact protein structure and function (internally defined REVEL score threshold <= 0.5, PMID: 27666373). Splice site prediction tools suggest that this variant may not impact RNA splicing. To our knowledge, functional studies have not been performed for this variant. This variant has not been reported in individuals affected with cardiovascular disorders in the literature. This variant has been identified in 1/251274 chromosomes in the general population by the Genome Aggregation Database (gnomAD). The available evidence is insufficient to determine the role of this variant in disease conclusively. Therefore, this variant is classified as a Variant of Uncertain Significance.

This study involves interpretation of variants in research participants for the purpose of population health screening. Participant phenotype was not available at the time of variant classification. Additional details can be found in publication PMID: 35346344, PMCID: PMC8962531

Color Diagnostics, LLC DBA Color Health
Classification: Uncertain significance for Familial thoracic aortic aneurysm and aortic dissection. Last evaluated: 2024-07-12. Review status: criteria provided, single submitter. Criteria: ACMG Guidelines, 2015. Collection method: clinical testing. Allele origin: germline.
Comment: This missense variant replaces glycine with arginine at codon 169 of the TGFBR2 protein. Computational prediction tools indicate that this variant has a neutral impact on protein structure and function. To our knowledge, functional studies have not been reported for this variant. This variant has not been reported in individuals affected with TGFBR2-related disorders in the literature. This variant has been identified in 1/251274 chromosomes in the general population by the Genome Aggregation Database (gnomAD). The available evidence is insufficient to determine the role of this variant in disease conclusively. Therefore, this variant is classified as a Variant of Uncertain Significance.

Women's Health and Genetics/Laboratory Corporation of America, LabCorp
Classification: Uncertain significance. Last evaluated: 2023-09-05. Review status: criteria provided, single submitter. Criteria: LabCorp Variant Classification Summary - May 2015. Collection method: clinical testing. Allele origin: germline.
Comment: Variant summary: TGFBR2 c.505G>C (p.Gly169Arg) results in a non-conservative amino acid change in the encoded protein sequence. Four of five in-silico tools predict a benign effect of the variant on protein function. The variant allele was found at a frequency of 4e-06 in 251274 control chromosomes (gnomAD). The available data on variant occurrences in the general population are insufficient to allow any conclusion about variant significance. To our knowledge, no occurrence of c.505G>C in individuals affected with Loeys-Dietz Syndrome and no experimental evidence demonstrating its impact on protein function have been reported. Two submitters have cited clinical-significance assessments for this variant to ClinVar after 2014. Both submitters classified the variant as uncertain significance. Based on the evidence outlined above, the variant was classified as uncertain significance.

Center for Genomics, Ann and Robert H. Lurie Children's Hospital of Chicago
Classification: Uncertain significance for Loeys-Dietz syndrome 2; Colorectal cancer, hereditary nonpolyposis, type 6; Malignant tumor of esophagus. Review status: criteria provided, single submitter. Criteria: ACMG Guidelines, 2015. Collection method: clinical testing. Allele origin: germline.
Comment: This variant has not been reported in the literature in association with TGFBR2-related conditions. This variant is present in 0.003% (2/68028) of European alleles in the Genome Aggregation Database and also in ClinVar (Variation ID:923453). Evolutionary conservation and computational predictive tools suggest that this variant may not impact the protein. In summary, data on this variant is insufficient for disease classification. Therefore, the clinical significance of this variant is uncertain.